The following is an entry in ClinVar:

NM_020461.4(TUBGCP6):c.3898C>T (p.His1300Tyr)

Gene: TUBGCP6 (tubulin gamma complex component 6; minus strand). Cytogenetic location: 22q13.33.
Variant type: single nucleotide variant.
Coding change: c.3898C>T on transcript NM_020461.4 (MANE Select); coding-DNA position 3898, C replaced by T.
Protein change: p.His1300Tyr; replaces histidine 1300 with tyrosine.
Molecular consequence: missense variant.
Genome position (GRCh38, 1-based): chr22:50,220,461, G>A on the plus strand (C>T on the coding strand, the complement: TUBGCP6 is on the minus strand). VCF-style: chr22-50220461-G-A. GRCh37 (hg19) VCF-style: chr22-50658890-G-A.
Other names: short protein forms H1300Y.
Identifiers: ClinVar variation 437146 (VCV000437146.14), dbSNP rs148601529, ClinGen allele CA10307790.

ClinVar aggregate classification (germline): Conflicting classifications of pathogenicity. Review status: criteria provided, conflicting classifications (1 of 4 stars). 4 submissions from 4 submitters: Uncertain significance (2); Likely benign (2). Last evaluated 2024-12-09.

Conditions:
Inborn genetic diseases. Identifiers: MedGen C0950123, MeSH D030342.

Allele frequency attached by ClinVar (database versions not stated): gnomAD exomes 0.00004; 1000 Genomes Project 0.00020; 1000 Genomes Project 30x 0.00031; ESP Exome Variant Server 0.00046; gnomAD 0.00048; TOPMed 0.00051.
gnomAD v4.1: 129 of 1,612,896 alleles (0.008%); highest among the groups gnomAD compares: African/African-American, 0.16%; no homozygotes.

Submissions (4):

Labcorp Genetics (formerly Invitae), Labcorp
Classification: Uncertain significance. Last evaluated: 2024-12-09. Review status: criteria provided, single submitter. Criteria: Invitae Variant Classification Sherloc (09022015). Collection method: clinical testing. Allele origin: germline.
Comment: This sequence change replaces histidine, which is basic and polar, with tyrosine, which is neutral and polar, at codon 1300 of the TUBGCP6 protein (p.His1300Tyr). This variant is present in population databases (rs148601529, gnomAD 0.2%). This variant has not been reported in the literature in individuals affected with TUBGCP6-related conditions. ClinVar contains an entry for this variant (Variation ID: 437146). An algorithm developed to predict the effect of missense changes on protein structure and function (PolyPhen-2) suggests that this variant is likely to be disruptive. In summary, the available evidence is currently insufficient to determine the role of this variant in disease. Therefore, it has been classified as a Variant of Uncertain Significance.

Blueprint Genetics
Classification: Likely benign. Last evaluated: 2022-09-21. Review status: criteria provided, single submitter. Criteria: ACMG Guidelines, 2015. Collection method: clinical testing. Allele origin: germline.

Ambry Genetics
Classification: Likely benign for Inborn genetic diseases. Last evaluated: 2021-06-22. Review status: criteria provided, single submitter. Criteria: Ambry Variant Classification Scheme 2023. Collection method: clinical testing. Allele origin: germline.

Genetic Services Laboratory, University of Chicago
Classification: Uncertain significance. Last evaluated: 2016-10-13. Review status: criteria provided, single submitter. Criteria: ACMG Guidelines, 2015. Collection method: clinical testing. Allele origin: germline. Affected: no.